The following is an entry in ClinVar:

ClinVar aggregate classification (germline): Uncertain significance (1 of 4 stars; one submission).

Conditions:
Hyper-IgM syndrome type 1. Also called: CD40 Ligand Deficiency; X-linked hyper-IgM syndrome; Immunodeficiency, X-linked, with hyper-IgM; Hyper-IgM Immunodeficiency Syndrome, Type 1. Identifiers: Orphanet 101088, MedGen C0398689, MONDO:0010626, OMIM 308230.

Submission:

Labcorp Genetics (formerly Invitae), Labcorp
Classification: Uncertain significance for Hyper-IgM syndrome type 1. Last evaluated: 2023-11-17. Review status: criteria provided, single submitter. Criteria: Invitae Variant Classification Sherloc (09022015). Collection method: clinical testing. Allele origin: germline.
Comment: This sequence change replaces leucine, which is neutral and non-polar, with tryptophan, which is neutral and slightly polar, at codon 231 of the CD40LG protein (p.Leu231Trp). This variant is not present in population databases (gnomAD no frequency). This missense change has been observed in individual(s) with hyper IgM syndrome (PMID: 35874699). Advanced modeling of protein sequence and biophysical properties (such as structural, functional, and spatial information, amino acid conservation, physicochemical variation, residue mobility, and thermodynamic stability) performed at Invitae indicates that this missense variant is expected to disrupt CD40LG protein function with a positive predictive value of 80%. In summary, the available evidence is currently insufficient to determine the role of this variant in disease. Therefore, it has been classified as a Variant of Uncertain Significance.

Literature cited by the submitters: PubMed 35874699.

NM_000074.3(CD40LG):c.692T>G (p.Leu231Trp)

Gene: CD40LG (CD40 ligand; plus strand). Cytogenetic location: Xq26.3.
Variant type: single nucleotide variant.
Coding change: c.692T>G on transcript NM_000074.3 (MANE Select); coding-DNA position 692, T replaced by G.
Protein change: p.Leu231Trp; replaces leucine 231 with tryptophan.
Molecular consequence: missense variant.
Genome position (GRCh38, 1-based): chrX:136,659,321, T>G. VCF-style: chrX-136659321-T-G. GRCh37 (hg19) VCF-style: chrX-135741480-T-G.
Other names: short protein forms L231W.
Identifiers: ClinVar variation 2764445 (VCV002764445.3), dbSNP rs2522118478, ClinGen allele CA414756582.